The following is an entry in ClinVar:

ClinVar aggregate classification (germline): Uncertain significance (1 of 4 stars; one submission).

Allele frequency attached by ClinVar (database versions not stated): gnomAD 0.00001; gnomAD exomes 0.00001; TOPMed below 0.00001.
gnomAD v4.1: 5 of 1,611,846 alleles (0.00031%); highest among the groups gnomAD compares: Admixed American, 0.0017%; no homozygotes.

Submission:

Labcorp Genetics (formerly Invitae), Labcorp
Classification: Uncertain significance. Last evaluated: 2025-11-22. Review status: criteria provided, single submitter. Criteria: Invitae Variant Classification Sherloc (09022015). Collection method: clinical testing. Allele origin: germline.
Comment: This sequence change replaces serine, which is neutral and polar, with asparagine, which is neutral and polar, at codon 102 of the TCF3 protein (p.Ser102Asn). This variant is present in population databases (no rsID available, gnomAD 0.003%). This variant has not been reported in the literature in individuals affected with TCF3-related conditions. ClinVar contains an entry for this variant (Variation ID: 2797812). Invitae Evidence Modeling of protein sequence and biophysical properties (such as structural, functional, and spatial information, amino acid conservation, physicochemical variation, residue mobility, and thermodynamic stability) indicates that this missense variant is not expected to disrupt TCF3 protein function with a negative predictive value of 80%. In summary, the available evidence is currently insufficient to determine the role of this variant in disease. Therefore, it has been classified as a Variant of Uncertain Significance.

NM_003200.5(TCF3):c.305G>A (p.Ser102Asn)

Gene: TCF3 (transcription factor 3; minus strand). Cytogenetic location: 19p13.3.
Variant type: single nucleotide variant.
Coding change: c.305G>A on transcript NM_003200.5 (MANE Select); coding-DNA position 305, G replaced by A.
Protein change: p.Ser102Asn; replaces serine 102 with asparagine.
Molecular consequence: missense variant.
Genome position (GRCh38, 1-based): chr19:1,627,420, C>T on the plus strand (G>A on the coding strand, the complement: TCF3 is on the minus strand). VCF-style: chr19-1627420-C-T. GRCh37 (hg19) VCF-style: chr19-1627419-C-T.
Other names: c.305G>A, p.Ser102Asn (NM_001136139.4, NM_001351778.2, NM_001351779.2); short protein forms S102N.
Identifiers: ClinVar variation 2797812 (VCV002797812.3), dbSNP rs1373250998, ClinGen allele CA403057433.
Genomic context (GRCh38, chr19:1,627,420, plus strand): 5'-TGAGTCAGGCCGCCCACGCCTGCGTCTCTCCCGAAGGAGGCATAGGCGCCCCGCTCACCG[C>T]TCTTGCCTGCAAGGGGAGAAGGAAGGTTAGTGGGAGGCGACCCCAAGGAACATCCTGAGG-3'
Protein context (NP_003191.1, residues 92-112): TFLGPGLGGK[Ser102Asn]GERGAYASFG